The following is an entry in ClinVar:

NM_000245.4(MET):c.3437G>A (p.Cys1146Tyr)

Gene: MET (MET proto-oncogene, receptor tyrosine kinase; plus strand). Cytogenetic location: 7q31.2.
Variant type: single nucleotide variant.
Coding change: c.3437G>A on transcript NM_000245.4 (MANE Select); coding-DNA position 3437, G replaced by A.
Protein change: p.Cys1146Tyr; replaces cysteine 1146 with tyrosine.
Molecular consequence: missense variant.
Genome position (GRCh38, 1-based): chr7:116,778,872, G>A. VCF-style: chr7-116778872-G-A. GRCh37 (hg19) VCF-style: chr7-116418926-G-A.
Other names: c.3491G>A, p.Cys1164Tyr (NM_001127500.3); c.2147G>A, p.Cys716Tyr (NM_001324402.2); short protein forms C1146Y, C1164Y, C716Y.
Identifiers: ClinVar variation 1019095 (VCV001019095.8), dbSNP rs1795070664, ClinGen allele CA368990152.

ClinVar aggregate classification (germline): Uncertain significance (1 of 4 stars; one submission).

Conditions:
Renal cell carcinoma. Identifiers: Orphanet 217071, MedGen C0007134, MeSH D002292, MONDO:0005086, HP:0005584.

Submission:

Labcorp Genetics (formerly Invitae), Labcorp
Classification: Uncertain significance for Renal cell carcinoma. Last evaluated: 2024-04-10. Review status: criteria provided, single submitter. Criteria: Invitae Variant Classification Sherloc (09022015). Collection method: clinical testing. Allele origin: germline.
Comment: This sequence change replaces cysteine, which is neutral and slightly polar, with tyrosine, which is neutral and polar, at codon 1164 of the MET protein (p.Cys1164Tyr). This variant is not present in population databases (gnomAD no frequency). This variant has not been reported in the literature in individuals affected with MET-related conditions. ClinVar contains an entry for this variant (Variation ID: 1019095). Advanced modeling of protein sequence and biophysical properties (such as structural, functional, and spatial information, amino acid conservation, physicochemical variation, residue mobility, and thermodynamic stability) performed at Invitae indicates that this missense variant is expected to disrupt MET protein function with a positive predictive value of 80%. In summary, the available evidence is currently insufficient to determine the role of this variant in disease. Therefore, it has been classified as a Variant of Uncertain Significance.